The following is an entry in ClinVar:

NM_001376.5(DYNC1H1):c.7014T>C (p.Asn2338=)

Gene: DYNC1H1 (dynein cytoplasmic 1 heavy chain 1; plus strand). Cytogenetic location: 14q32.31.
Variant type: single nucleotide variant.
Coding change: c.7014T>C on transcript NM_001376.5 (MANE Select); coding-DNA position 7014, T replaced by C.
Protein change: p.Asn2338=; no amino-acid change (asparagine 2338 retained).
Molecular consequence: synonymous variant.
Genome position (GRCh38, 1-based): chr14:102,012,470, T>C. VCF-style: chr14-102012470-T-C. GRCh37 (hg19) VCF-style: chr14-102478807-T-C.
Identifiers: ClinVar variation 1936975 (VCV001936975.5), dbSNP rs755129592, ClinGen allele CA7352717.

ClinVar aggregate classification (germline): Uncertain significance (1 of 4 stars; one submission).

Conditions:
Charcot-Marie-Tooth disease axonal type 2O. Also called: CHARCOT-MARIE-TOOTH NEUROPATHY, AXONAL, TYPE 2O; CHARCOT-MARIE-TOOTH DISEASE, AXONAL, AUTOSOMAL DOMINANT, TYPE 2O; Charcot-Marie-Tooth Neuropathy Type 2O; Charcot-Marie-Tooth disease, axonal, type 20. Identifiers: Orphanet 284232, MedGen C3280220, MONDO:0013644, OMIM 614228.

Allele frequency attached by ClinVar (database versions not stated): gnomAD exomes below 0.00001; TOPMed below 0.00001; ExAC 0.00001; gnomAD 0.00001.
gnomAD v4.1: 7 of 1,614,072 alleles (0.00043%); highest among the groups gnomAD compares: Non-Finnish European, 0.00059%; no homozygotes.

Submission:

Labcorp Genetics (formerly Invitae), Labcorp
Classification: Uncertain significance for Charcot-Marie-Tooth disease axonal type 2O. Last evaluated: 2024-07-16. Review status: criteria provided, single submitter. Criteria: Invitae Variant Classification Sherloc (09022015). Collection method: clinical testing. Allele origin: germline.
Comment: This sequence change affects codon 2338 of the DYNC1H1 mRNA. It is a 'silent' change, meaning that it does not change the encoded amino acid sequence of the DYNC1H1 protein. It affects a nucleotide within the consensus splice site. This variant is present in population databases (rs755129592, gnomAD 0.0009%). This variant has not been reported in the literature in individuals affected with DYNC1H1-related conditions. ClinVar contains an entry for this variant (Variation ID: 1936975). Algorithms developed to predict the effect of sequence changes on RNA splicing suggest that this variant is not likely to affect RNA splicing. In summary, the available evidence is currently insufficient to determine the role of this variant in disease. Therefore, it has been classified as a Variant of Uncertain Significance.